The following is an entry in ClinVar:

ClinVar aggregate classification (germline): Pathogenic. Review status: criteria provided, multiple submitters, no conflicts (2 of 4 stars). 3 submissions from 3 submitters: Pathogenic (2). 1 of the submissions does not count toward it. Last evaluated 2023-08-08.

Conditions:
Developmental and epileptic encephalopathy, 11 (DEE11). Also called: Early infantile epileptic encephalopathy 11. Identifiers: Orphanet 1934, MedGen C3150987, MONDO:0013388, OMIM 613721.
Seizures, benign familial infantile, 3 (BFIS3). Also called: Familial neonatal seizures; CONVULSIONS, BENIGN FAMILIAL INFANTILE, 3. Identifiers: Orphanet 140927, Orphanet 306, MedGen C1843140, MONDO:0011904, OMIM 607745.
Developmental and epileptic encephalopathy. Identifiers: MedGen C5779964, MONDO:0100620.

Submissions (3):

Labcorp Genetics (formerly Invitae), Labcorp
Classification: Pathogenic for Seizures, benign familial infantile, 3; Developmental and epileptic encephalopathy, 11. Last evaluated: 2023-08-08. Review status: criteria provided, single submitter. Criteria: Invitae Variant Classification Sherloc (09022015). Collection method: clinical testing. Allele origin: germline.
Comment: For these reasons, this variant has been classified as Pathogenic. ClinVar contains an entry for this variant (Variation ID: 524019). This variant has not been reported in the literature in individuals affected with SCN2A-related conditions. This variant is not present in population databases (gnomAD no frequency). This sequence change creates a premature translational stop signal (p.Trp1194Valfs*9) in the SCN2A gene. It is expected to result in an absent or disrupted protein product. Loss-of-function variants in SCN2A are known to be pathogenic (PMID: 28379373).

GeneDx
Classification: Pathogenic. Last evaluated: 2022-03-29. Review status: criteria provided, single submitter. Criteria: GeneDx Variant Classification Process June 2021. Collection method: clinical testing. Allele origin: germline. Affected: yes.
Comment: Frameshift variant predicted to result in protein truncation or nonsense mediated decay in a gene for which loss-of-function is a known mechanism of disease; Not observed in large population cohorts (gnomAD); This variant is associated with the following publications: (PMID: 32005694)

Neurology Department, Shenzhen Children's Hospital
Classification: Pathogenic for Developmental and epileptic encephalopathy. Last evaluated: 2022-02-16. Review status: no assertion criteria provided. Collection method: clinical testing. Allele origin: de novo. Affected: yes. Not counted in ClinVar's aggregate classification.

Literature cited by the submitters: PubMed 28379373 (cited by Labcorp Genetics (formerly Invitae), Labcorp).

NM_001040142.2(SCN2A):c.3579_3580del (p.Trp1194fs)

Gene: SCN2A (sodium voltage-gated channel alpha subunit 2; plus strand). Cytogenetic location: 2q24.3.
Variant type: Microsatellite.
Coding change: c.3579_3580del on transcript NM_001040142.2 (MANE Select); coding-DNA positions 3579 to 3580, 2 bases deleted (CT; older notation c.3579_3580delCT).
Protein change: p.Trp1194fs; shifts the reading frame from tryptophan 1194.
Molecular consequence: frameshift variant.
Genome position (GRCh38, 1-based): chr2:165,367,275-165,367,276, CT deleted; deleting any 2 consecutive bases within chr2:165,367,273-165,367,276 gives the same sequence; the c. name uses the placement nearest the transcript's 3' end. VCF-style (leftmost placement, unchanged base first): chr2-165367272-ACT-A. GRCh37 (hg19) VCF-style: chr2-166223782-ACT-A.
Other names: c.3579_3580delCT (NM_021007.2); c.3579_3580del, p.Trp1194fs (NM_001040143.2, NM_001371246.1, NM_001371247.1 and 1 more transcripts); short protein forms W1194fs.
Identifiers: ClinVar variation 524019 (VCV000524019.16), dbSNP rs1553590192, ClinGen allele CA658795906.